The following is an entry in ClinVar:

ClinVar aggregate classification (germline): Likely pathogenic (1 of 4 stars; one submission).

Conditions:
Congenital adrenal hyperplasia due to cytochrome P450 oxidoreductase deficiency. Also called: DISORDERED STEROIDOGENESIS DUE TO POR DEFICIENCY. Identifiers: Orphanet 95699, MedGen C1860042, MONDO:0013310, OMIM 613571.

Allele frequency attached by ClinVar (database versions not stated): gnomAD exomes below 0.00001; ExAC 0.00001; gnomAD 0.00001; TOPMed 0.00001.
gnomAD v4.1: 3 of 1,589,502 alleles (0.00019%); highest among the groups gnomAD compares: African/African-American, 0.0027%; no homozygotes.

Submission:

Labcorp Genetics (formerly Invitae), Labcorp
Classification: Likely pathogenic for Congenital adrenal hyperplasia due to cytochrome P450 oxidoreductase deficiency. Last evaluated: 2023-09-09. Review status: criteria provided, single submitter. Criteria: Invitae Variant Classification Sherloc (09022015). Collection method: clinical testing. Allele origin: germline.
Comment: This sequence change affects a donor splice site in intron 11 of the POR gene. It is expected to disrupt RNA splicing. Variants that disrupt the donor or acceptor splice site typically lead to a loss of protein function (PMID: 16199547), and loss-of-function variants in POR are known to be pathogenic (PMID: 14758361, 20732302, 21741353). This variant has not been reported in the literature in individuals affected with POR-related conditions. In summary, the currently available evidence indicates that the variant is pathogenic, but additional data are needed to prove that conclusively. Therefore, this variant has been classified as Likely Pathogenic. Algorithms developed to predict the effect of sequence changes on RNA splicing suggest that this variant may disrupt the consensus splice site. The frequency data for this variant in the population databases is considered unreliable, as metrics indicate poor data quality at this position in the gnomAD database.

Literature cited by the submitters: PubMed 16199547; PubMed 14758361; PubMed 20732302; PubMed 21741353.

NM_001395413.1(POR):c.1239+1G>T

Gene: POR (cytochrome p450 oxidoreductase; plus strand). Cytogenetic location: 7q11.23.
Variant type: single nucleotide variant.
Coding change: c.1239+1G>T on transcript NM_001395413.1 (MANE Select); the canonical splice donor site of the intron after coding-DNA position 1239, G replaced by T.
Molecular consequence: splice donor variant.
Genome position (GRCh38, 1-based): chr7:75,984,959, G>T. VCF-style: chr7-75984959-G-T. GRCh37 (hg19) VCF-style: chr7-75614277-G-T.
Other names: c.1239+1G>T (NM_001382662.3, NM_001382659.3, NM_001367562.3 and 2 more transcripts); c.1293+1G>T (NM_001382655.3).
Identifiers: ClinVar variation 2878023 (VCV002878023.3), dbSNP rs782168868, ClinGen allele CA4304039.